The following is an entry in ClinVar:

ClinVar aggregate classification (germline): Uncertain significance (1 of 4 stars; one submission).

Conditions:
Cardiomyopathy (CMYO). Also called: Cardiomyopathies. Identifiers: Orphanet 167848, MedGen C0878544, MONDO:0004994, HP:0001638. Inheritance: Various modes of inheritance.

gnomAD v4.1: 4 of 1,613,858 alleles (0.00025%); highest among the groups gnomAD compares: Non-Finnish European, 0.00034%; no homozygotes.

Submission:

Color Diagnostics, LLC DBA Color Health
Classification: Uncertain significance for Cardiomyopathy. Last evaluated: 2025-09-04. Review status: criteria provided, single submitter. Criteria: ACMG Guidelines, 2015. Collection method: clinical testing. Allele origin: germline.
Comment: This variant changes 1 nucleotide in exon 28 of the RYR2 gene, creating a premature translation stop signal. This variant is expected to result in an absent protein product. To our knowledge, this variant has not been reported in individuals affected with RYR2-related disorders in the literature. This variant has been identified in 1/249042 chromosomes in the general population by the Genome Aggregation Database (gnomAD). The role of loss-of-function RYR2 truncation variants in autosomal dominant cardiovascular disorders is not clearly understood. The available evidence is insufficient to determine the role of this variant in disease conclusively. Therefore, this variant is classified as a Variant of Uncertain Significance.

NM_001035.3(RYR2):c.3256C>T (p.Arg1086Ter)

Gene: RYR2 (ryanodine receptor 2; plus strand). Cytogenetic location: 1q43.
Variant type: single nucleotide variant.
Coding change: c.3256C>T on transcript NM_001035.3 (MANE Select); coding-DNA position 3256, C replaced by T.
Protein change: p.Arg1086Ter; replaces arginine 1086 with a stop codon.
Molecular consequence: nonsense.
Genome position (GRCh38, 1-based): chr1:237,566,608, C>T. VCF-style: chr1-237566608-C-T. GRCh37 (hg19) VCF-style: chr1-237729908-C-T.
Other names: short protein forms R1086*.
Identifiers: ClinVar variation 4757975 (VCV004757975.1).
Genomic context (GRCh38, chr1:237,566,608, plus strand): 5'-ATCTCTGTCCATTTCCCAGCAGCCAGAGCCGAAGTGTGCAGCGGCACCGGGGAAAGGTTC[C>T]GAATCTTCCGTGCCGAGAAGACCTATGCAGTGAAGGCCGGACGGTGGTATTTTGAATTTG-3'